The following is an entry in ClinVar:

NM_177438.3(DICER1):c.1726del (p.Thr578fs)

Gene: DICER1 (dicer 1, ribonuclease III; minus strand). Cytogenetic location: 14q32.13.
Variant type: Deletion.
Coding change: c.1726del on transcript NM_177438.3 (MANE Select); coding-DNA position 1726, one base deleted (C; older notation c.1726delC).
Protein change: p.Thr578fs; shifts the reading frame from threonine 578.
Molecular consequence: frameshift variant.
Genome position (GRCh38, 1-based): chr14:95,116,479, G deleted on the plus strand (C on the coding strand, the reverse complement: DICER1 is on the minus strand); the first of 2 consecutive G bases (chr14:95,116,479-95,116,480); deleting either gives the same sequence. VCF-style (leftmost placement, unchanged base first): chr14-95116478-AG-A. GRCh37 (hg19) VCF-style: chr14-95582815-AG-A.
Other names: c.1726del, p.Thr578fs (NM_001195573.1, NM_001271282.3, NM_001291628.2 and 1 more transcripts); c.1726delC (NM_177438.2); short protein forms T578fs.
Identifiers: ClinVar variation 479658 (VCV000479658.5), dbSNP rs1555372838, ClinGen allele CA658656448.

ClinVar aggregate classification (germline): Pathogenic (1 of 4 stars; one submission).

Conditions:
Hereditary cancer-predisposing syndrome. Also called: Hereditary Cancer Syndrome; Neoplastic Syndromes, Hereditary; Tumor predisposition; Hereditary neoplastic syndrome. Identifiers: Orphanet 140162, MedGen C0027672, MeSH D009386, MONDO:0015356.

Submission:

Ambry Genetics
Classification: Pathogenic for Hereditary cancer-predisposing syndrome. Last evaluated: 2017-08-30. Review status: criteria provided, single submitter. Criteria: Ambry Variant Classification Scheme 2023. Collection method: clinical testing. Allele origin: germline.
Comment: The c.1726delC pathogenic mutation, located in coding exon 9 of the DICER1 gene, results from a deletion of one nucleotide at nucleotide position 1726, causing a translational frameshift with a predicted alternate stop codon (p.T578Pfs*9). This alteration is expected to result in loss of function by premature protein truncation or nonsense-mediated mRNA decay. As such, this alteration is interpreted as a disease-causing mutation.